The following is an entry in ClinVar:

ClinVar aggregate classification (germline): Benign (1 of 4 stars; one submission).

Conditions:
Auriculocondylar syndrome 2 (ARCND2A). Also called: AURICULOCONDYLAR SYNDROME 2A. Identifiers: Orphanet 137888, MedGen C3553404, MONDO:0013845, OMIM 614669.

Allele frequency attached by ClinVar (database versions not stated): gnomAD 0.01834 and 0.01967; 1000 Genomes Project 0.01977; 1000 Genomes Project 30x 0.02124; TOPMed 0.02159.

Submission:

Illumina Laboratory Services, Illumina
Classification: Benign for Auriculocondylar syndrome 2. Last evaluated: 2018-01-13. Review status: criteria provided, single submitter. Criteria: ICSL Variant Classification Criteria 13 December 2019. Collection method: clinical testing. Allele origin: germline.
Comment: This variant was observed in the ICSL laboratory as part of a predisposition screen in an ostensibly healthy population. It had not been previously curated by ICSL or reported in the Human Gene Mutation Database (HGMD: prior to June 1st, 2018), and was therefore a candidate for classification through an automated scoring system. Utilizing variant allele frequency, disease prevalence and penetrance estimates, and inheritance mode, an automated score was calculated to assess if this variant is too frequent to cause the disease. Based on the score and internal cut-off values, a variant classified as benign is not then subjected to further curation. The score for this variant resulted in a classification of benign for this disease.

NM_001377142.1(PLCB4):c.*955T>C

Gene: PLCB4 (phospholipase C beta 4; plus strand). Cytogenetic location: 20p12.2.
Variant type: single nucleotide variant.
Coding change: c.*955T>C on transcript NM_001377142.1 (MANE Select); 955 bases downstream of the stop codon, T replaced by C.
Molecular consequence: 3 prime UTR variant.
Genome position (GRCh38, 1-based): chr20:9,479,964, T>C. VCF-style: chr20-9479964-T-C. GRCh37 (hg19) VCF-style: chr20-9460611-T-C.
Other names: c.*955T>C (NM_000933.4, NM_001377134.2, NM_001377135.1 and 1 more transcripts); c.*975T>C (NM_001172646.2, NM_001377136.1, NM_182797.3).
Identifiers: ClinVar variation 339607 (VCV000339607.5), dbSNP rs114844715, ClinGen allele CA10652850.